The following is an entry in ClinVar:

ClinVar aggregate classification (germline): Uncertain significance (1 of 4 stars; one submission).

Conditions:
Inborn genetic diseases. Identifiers: MedGen C0950123, MeSH D030342.

Allele frequency attached by ClinVar (database versions not stated): TOPMed 0.00002.

Submission:

Ambry Genetics
Classification: Uncertain significance for Inborn genetic diseases. Last evaluated: 2023-12-05. Review status: criteria provided, single submitter. Criteria: Ambry Variant Classification Scheme 2023. Collection method: clinical testing. Allele origin: germline.
Comment: The p.R64G variant (also known as c.190A>G), located in coding exon 1 of the ACD gene, results from an A to G substitution at nucleotide position 190. The arginine at codon 64 is replaced by glycine, an amino acid with dissimilar properties. This amino acid position is conserved. In addition, this alteration is predicted to be tolerated by in silico analysis. Since supporting evidence is limited at this time, the clinical significance of this alteration remains unclear.

NM_001082486.1(ACD):c.190A>G (p.Arg64Gly)

Gene: ACD (ACD shelterin complex subunit and telomerase recruitment factor; minus strand). Cytogenetic location: 16q22.1.
Variant type: single nucleotide variant.
Coding change: c.190A>G on transcript NM_001082486.1; coding-DNA position 190, A replaced by G.
Protein change: p.Arg64Gly; replaces arginine 64 with glycine.
Genome position (GRCh38, 1-based): chr16:67,660,289, T>C on the plus strand (A>G on the coding strand, the complement: ACD is on the minus strand). VCF-style: chr16-67660289-T-C. GRCh37 (hg19) VCF-style: chr16-67694192-T-C.
Other names: short protein forms R64G.
Identifiers: ClinVar variation 1782469 (VCV001782469.2), dbSNP rs1465099955, ClinGen allele CA396359472.
Genomic context (GRCh38, chr16:67,660,289, plus strand): 5'-CTACACCCAGCGGATGCAACGGGCCCGGGTTTCCCGCGGGCGCCCAGGCCCCGCCTTTCC[T>C]CGGAAGAGGAAGCTCCTTCGCTGGGCGGGGCCGGAGGAGGAGGCCCCGCCCACGTACACC-3'